The following is an entry in ClinVar:

ClinVar aggregate classification (germline): Pathogenic (1 of 4 stars; one submission).

Conditions:
Autosomal recessive nonsyndromic hearing loss 49. Also called: Deafness, neurosensory, autosomal recessive 49. Identifiers: Orphanet 90636, MedGen C1857811, MONDO:0012420, OMIM 610153.

Submission:

Institute of Rare Diseases, West China Hospital, Sichuan University
Classification: Pathogenic for Autosomal recessive nonsyndromic hearing loss 49. Last evaluated: 2025-01-09. Review status: criteria provided, single submitter. Criteria: ClinGen HL ACMG Specifications v1. Collection method: research. Allele origin: germline. Affected: yes.
Comment: PVS1;PM3;PP1;PM2_Supporting

NM_001038603.3(MARVELD2):c.683C>G (p.Ser228Ter)

Gene: MARVELD2 (MARVEL domain containing 2; plus strand). Cytogenetic location: 5q13.2.
Variant type: single nucleotide variant.
Coding change: c.683C>G on transcript NM_001038603.3 (MANE Select); coding-DNA position 683, C replaced by G.
Protein change: p.Ser228Ter; replaces serine 228 with a stop codon.
Molecular consequence: nonsense.
Genome position (GRCh38, 1-based): chr5:69,420,068, C>G. VCF-style: chr5-69420068-C-G. GRCh37 (hg19) VCF-style: chr5-68715895-C-G.
Other names: c.683C>G, p.Ser228Ter (NM_001244734.2); short protein forms S228*.
Identifiers: ClinVar variation 3601235 (VCV003601235.1).